The following is an entry in ClinVar:

ClinVar aggregate classification (germline): Uncertain significance (1 of 4 stars; one submission).

Conditions:
Hypertrophic cardiomyopathy. Also called: HYPERTROPHIC MYOCARDIOPATHY. Identifiers: Orphanet 217569, MedGen C0007194, MeSH D002312, MONDO:0005045, HP:0001639.

Submission:

Labcorp Genetics (formerly Invitae), Labcorp
Classification: Uncertain significance for Hypertrophic cardiomyopathy. Last evaluated: 2022-10-13. Review status: criteria provided, single submitter. Criteria: Invitae Variant Classification Sherloc (09022015). Collection method: clinical testing. Allele origin: germline.
Comment: This sequence change replaces glutamine, which is neutral and polar, with histidine, which is basic and polar, at codon 974 of the MYBPC3 protein (p.Gln974His). This variant is not present in population databases (gnomAD no frequency). This variant has not been reported in the literature in individuals affected with MYBPC3-related conditions. Algorithms developed to predict the effect of missense changes on protein structure and function (SIFT, PolyPhen-2, Align-GVGD) all suggest that this variant is likely to be tolerated. In summary, the available evidence is currently insufficient to determine the role of this variant in disease. Therefore, it has been classified as a Variant of Uncertain Significance.

NM_000256.3(MYBPC3):c.2922G>C (p.Gln974His)

Gene: MYBPC3 (myosin binding protein C3; minus strand). Cytogenetic location: 11p11.2.
Variant type: single nucleotide variant.
Coding change: c.2922G>C on transcript NM_000256.3 (MANE Select); coding-DNA position 2922, G replaced by C.
Protein change: p.Gln974His; replaces glutamine 974 with histidine.
Molecular consequence: missense variant.
Genome position (GRCh38, 1-based): chr11:47,333,994, C>G on the plus strand (G>C on the coding strand, the complement: MYBPC3 is on the minus strand). VCF-style: chr11-47333994-C-G. GRCh37 (hg19) VCF-style: chr11-47355545-C-G.
Other names: short protein forms Q974H.
Identifiers: ClinVar variation 2133978 (VCV002133978.4), dbSNP rs1199507889, ClinGen allele CA380316005.